The following is an entry in ClinVar:

NM_006531.5(IFT88):c.1026A>C (p.Lys342Asn)

Gene: IFT88 (intraflagellar transport 88; plus strand). Cytogenetic location: 13q12.11.
Variant type: single nucleotide variant.
Coding change: c.1026A>C on transcript NM_006531.5 (MANE Select); coding-DNA position 1026, A replaced by C.
Protein change: p.Lys342Asn; replaces lysine 342 with asparagine.
Molecular consequence: missense variant. On other transcripts: non-coding transcript variant (5).
Genome position (GRCh38, 1-based): chr13:20,601,918, A>C. VCF-style: chr13-20601918-A-C. GRCh37 (hg19) VCF-style: chr13-21176057-A-C.
Other names: c.969A>C, p.Lys323Asn (NM_001318491.2, NM_001353573.2, NM_001353575.2); c.1053A>C, p.Lys351Asn (NM_001318493.2, NM_001353565.2, NM_001353566.2 and 2 more transcripts); c.1026A>C, p.Lys342Asn (NM_001353568.2, NM_001353572.2); c.951A>C, p.Lys317Asn (NM_001353569.2, NM_001353570.2, NM_001353576.2 and 1 more transcripts); c.924A>C, p.Lys308Asn (NM_001353571.2, NM_001353578.2); c.867A>C, p.Lys289Asn (NM_001353574.2); c.393A>C, p.Lys131Asn (NM_001353579.2); short protein forms K317N, K289N, K323N, K351N, K131N, K342N, K308N.
Identifiers: ClinVar variation 3655947 (VCV003655947.2).
Genomic context (GRCh38, chr13:20,601,918, plus strand): 5'-AAAAATGAAGAAGGCATTCCAAAAATTGATTACTGTTCCATTAGAAATTGATGAAGATAA[A>C]TATATTTCACCAAGTGTGAGTATGAAAAAGACATTTCTGTAGCCACTTCCCACTTATCTG-3'
Protein context (NP_006522.2, residues 332-352): ITVPLEIDED[Lys342Asn]YISPSDDPHT

ClinVar aggregate classification (germline): Uncertain significance (1 of 4 stars; one submission).

Submission:

Labcorp Genetics (formerly Invitae), Labcorp
Classification: Uncertain significance. Last evaluated: 2024-06-13. Review status: criteria provided, single submitter. Criteria: Invitae Variant Classification Sherloc (09022015). Collection method: clinical testing. Allele origin: germline.
Comment: This sequence change replaces lysine, which is basic and polar, with asparagine, which is neutral and polar, at codon 351 of the IFT88 protein (p.Lys351Asn). This variant is not present in population databases (gnomAD no frequency). This variant has not been reported in the literature in individuals affected with IFT88-related conditions. An algorithm developed to predict the effect of missense changes on protein structure and function (PolyPhen-2) suggests that this variant is likely to be disruptive. In summary, the available evidence is currently insufficient to determine the role of this variant in disease. Therefore, it has been classified as a Variant of Uncertain Significance.